The following is an entry in ClinVar:

ClinVar aggregate classification (germline): Uncertain significance (1 of 4 stars; one submission).

Allele frequency attached by ClinVar (database versions not stated): gnomAD exomes below 0.00001.
gnomAD v4.1: 1 of 1,613,938 alleles (0.000062%); highest among the groups gnomAD compares: Non-Finnish European, 0.000085%; no homozygotes.

Submission:

Labcorp Genetics (formerly Invitae), Labcorp
Classification: Uncertain significance. Last evaluated: 2022-02-28. Review status: criteria provided, single submitter. Criteria: Invitae Variant Classification Sherloc (09022015). Collection method: clinical testing. Allele origin: germline.
Comment: In summary, the available evidence is currently insufficient to determine the role of this variant in disease. Therefore, it has been classified as a Variant of Uncertain Significance. Algorithms developed to predict the effect of missense changes on protein structure and function are either unavailable or do not agree on the potential impact of this missense change (SIFT: "Tolerated"; PolyPhen-2: "Possibly Damaging"; Align-GVGD: "Class C0"). This variant has not been reported in the literature in individuals affected with P4HB-related conditions. This variant is not present in population databases (gnomAD no frequency). This sequence change replaces alanine, which is neutral and non-polar, with glycine, which is neutral and non-polar, at codon 176 of the P4HB protein (p.Ala176Gly).

NM_000918.4(P4HB):c.527C>G (p.Ala176Gly)

Gene: P4HB (prolyl 4-hydroxylase subunit beta; minus strand). Cytogenetic location: 17q25.3.
Variant type: single nucleotide variant.
Coding change: c.527C>G on transcript NM_000918.4 (MANE Select); coding-DNA position 527, C replaced by G.
Protein change: p.Ala176Gly; replaces alanine 176 with glycine.
Molecular consequence: missense variant.
Genome position (GRCh38, 1-based): chr17:81,855,239, G>C on the plus strand (C>G on the coding strand, the complement: P4HB is on the minus strand). VCF-style: chr17-81855239-G-C. GRCh37 (hg19) VCF-style: chr17-79813115-G-C.
Other names: short protein forms A176G.
Identifiers: ClinVar variation 2104371 (VCV002104371.4), dbSNP rs2509958064, ClinGen allele CA401515205.